The following is an entry in ClinVar:

NM_000260.4(MYO7A):c.2387G>A (p.Arg796Gln)

Gene: MYO7A (myosin VIIA; plus strand). Cytogenetic location: 11q13.5.
Variant type: single nucleotide variant.
Coding change: c.2387G>A on transcript NM_000260.4 (MANE Select); coding-DNA position 2387, G replaced by A.
Protein change: p.Arg796Gln; replaces arginine 796 with glutamine.
Molecular consequence: missense variant.
Genome position (GRCh38, 1-based): chr11:77,179,754, G>A. VCF-style: chr11-77179754-G-A. GRCh37 (hg19) VCF-style: chr11-76890800-G-A.
Other names: c.2387G>A, p.Arg796Gln (NM_001127180.2); c.2354G>A, p.Arg785Gln (NM_001369365.1); short protein forms R796Q, R785Q.
Identifiers: ClinVar variation 43182 (VCV000043182.20), dbSNP rs111033224, ClinGen allele CA132247.

ClinVar aggregate classification (germline): Uncertain significance. Review status: criteria provided, multiple submitters, no conflicts (2 of 4 stars). 10 submissions from 10 submitters: Uncertain significance (6). 4 of the submissions do not count toward it. Last evaluated 2026-08-25.

Conditions:
MYO7A-related disorder. Also called: MYO7A-related disorders.
Autosomal recessive nonsyndromic hearing loss 2. Also called: DEAFNESS, AUTOSOMAL RECESSIVE 2; NEUROSENSORY NONSYNDROMIC RECESSIVE DEAFNESS 2. Identifiers: Orphanet 90636, MedGen C1838701, MONDO:0010807, OMIM 600060.
Usher syndrome type 1 (USH1). Also called: RETINITIS PIGMENTOSA AND CONGENITAL DEAFNESS. Identifiers: Orphanet 231169, Orphanet 886, MedGen C1568247, MONDO:0010168, OMIM 276900.
Inborn genetic diseases. Identifiers: MedGen C0950123, MeSH D030342.
Usher syndrome type 1B (USH1B). Also called: Usher syndrome type IB. Identifiers: MedGen C1848638, MONDO:0700087.

Allele frequency attached by ClinVar (database versions not stated): ExAC below 0.00001; gnomAD exomes 0.00003; gnomAD 0.00007 and 0.00008; TOPMed 0.00007; 1000 Genomes Project 30x 0.00016.
gnomAD v4.1: 73 of 1,544,640 alleles (0.0047%); highest among the groups gnomAD compares: African/African-American, 0.016%; no homozygotes.

Submissions (10):

GeneDx
Classification: Uncertain significance. Last evaluated: 2026-08-25. Review status: criteria provided, single submitter. Criteria: GeneDx Variant Classification Process June 2021. Collection method: clinical testing. Allele origin: germline.
Comment: In silico analysis supports that this missense variant has a deleterious effect on protein structure/function; Has not been previously published as pathogenic or benign to our knowledge

PreventionGenetics, part of Exact Sciences
Classification: Uncertain significance for MYO7A-related condition. Last evaluated: 2026-07-31. Review status: criteria provided, single submitter. Criteria: ACMG Guidelines, 2015. Collection method: clinical testing. Allele origin: germline.
Comment: The MYO7A c.2387G>A variant is predicted to result in the amino acid substitution p.Arg796Gln. To our knowledge, this variant has not been reported in the literature. This variant is reported in 0.019% of alleles in individuals of African descent in gnomAD. At this time, the clinical significance of this variant is uncertain due to the absence of conclusive functional and genetic evidence.

Labcorp Genetics (formerly Invitae), Labcorp
Classification: Uncertain significance. Last evaluated: 2025-10-06. Review status: criteria provided, single submitter. Criteria: Invitae Variant Classification Sherloc (09022015). Collection method: clinical testing. Allele origin: germline.
Comment: This sequence change replaces arginine, which is basic and polar, with glutamine, which is neutral and polar, at codon 796 of the MYO7A protein (p.Arg796Gln). The frequency data for this variant in the population databases is considered unreliable, as metrics indicate poor data quality at this position in the gnomAD database. This variant has not been reported in the literature in individuals affected with MYO7A-related conditions. ClinVar contains an entry for this variant (Variation ID: 43182). Invitae Evidence Modeling of protein sequence and biophysical properties (such as structural, functional, and spatial information, amino acid conservation, physicochemical variation, residue mobility, and thermodynamic stability) has been performed for this missense variant. However, the output from this modeling did not meet the statistical confidence thresholds required to predict the impact of this variant on MYO7A protein function. In summary, the available evidence is currently insufficient to determine the role of this variant in disease. Therefore, it has been classified as a Variant of Uncertain Significance.

Ambry Genetics
Classification: Uncertain significance for Inborn genetic diseases. Last evaluated: 2025-04-07. Review status: criteria provided, single submitter. Criteria: Ambry Variant Classification Scheme 2023. Collection method: clinical testing. Allele origin: germline.

Blueprint Genetics
Classification: Uncertain significance. Last evaluated: 2024-10-28. Review status: criteria provided, single submitter. Criteria: ACMG Guidelines, 2015. Collection method: clinical testing. Allele origin: germline.

Laboratory for Molecular Medicine, Mass General Brigham Personalized Medicine
Classification: Uncertain significance. Last evaluated: 2008-03-01. Review status: criteria provided, single submitter. Criteria: LMM Criteria. Collection method: clinical testing. Allele origin: germline. Observed: 1 variant allele.

Natera, Inc.
Classification: Uncertain significance for Usher syndrome type 1B. Last evaluated: 2020-10-14. Review status: no assertion criteria provided. Collection method: clinical testing. Allele origin: germline. Not counted in ClinVar's aggregate classification.

Counsyl
Classification: Uncertain significance for Usher syndrome type 1; Autosomal recessive nonsyndromic hearing loss 2. Last evaluated: 2017-01-27. Review status: no assertion criteria provided. Collection method: clinical testing. Allele origin: unknown. Not counted in ClinVar's aggregate classification.

Clinical Genetics DNA and cytogenetics Diagnostics Lab, Erasmus MC, Erasmus Medical Center
Classification: Uncertain significance. Review status: no assertion criteria provided. Collection method: clinical testing. Allele origin: germline. Affected: yes. Study: VKGL Data-share Consensus. Not counted in ClinVar's aggregate classification.

Joint Genome Diagnostic Labs from Nijmegen and Maastricht, Radboudumc and MUMC+
Classification: Uncertain significance. Review status: no assertion criteria provided. Collection method: clinical testing. Allele origin: germline. Affected: yes. Study: VKGL Data-share Consensus. Not counted in ClinVar's aggregate classification.